The following is an entry in ClinVar:

ClinVar aggregate classification (germline): Uncertain significance (1 of 4 stars; one submission).

Allele frequency attached by ClinVar (database versions not stated): gnomAD exomes below 0.00001; TOPMed below 0.00001.
gnomAD v4.1: 2 of 1,604,250 alleles (0.00012%); highest among the groups gnomAD compares: Non-Finnish European, 0.00017%; no homozygotes.

Submission:

Labcorp Genetics (formerly Invitae), Labcorp
Classification: Uncertain significance. Last evaluated: 2022-04-16. Review status: criteria provided, single submitter. Criteria: Invitae Variant Classification Sherloc (09022015). Collection method: clinical testing. Allele origin: germline.
Comment: Algorithms developed to predict the effect of missense changes on protein structure and function (SIFT, PolyPhen-2, Align-GVGD) all suggest that this variant is likely to be disruptive. This variant has not been reported in the literature in individuals affected with AP3B2-related conditions. This variant is not present in population databases (gnomAD no frequency). This sequence change replaces tyrosine, which is neutral and polar, with cysteine, which is neutral and slightly polar, at codon 417 of the AP3B2 protein (p.Tyr417Cys). In summary, the available evidence is currently insufficient to determine the role of this variant in disease. Therefore, it has been classified as a Variant of Uncertain Significance.

NM_001278512.2(AP3B2):c.1250A>G (p.Tyr417Cys)

Genes: AP3B2 (adaptor related protein complex 3 subunit beta 2; minus strand), CPEB1-AS1 (CPEB1 antisense RNA 1; plus strand). Cytogenetic location: 15q25.2.
Variant type: single nucleotide variant.
Coding change: c.1250A>G on transcript NM_001278512.2 (MANE Select); coding-DNA position 1250, A replaced by G.
Protein change: p.Tyr417Cys; replaces tyrosine 417 with cysteine.
Molecular consequence: missense variant.
Genome position (GRCh38, 1-based): chr15:82,677,799, T>C on the plus strand (A>G on the coding strand, the complement: AP3B2 is on the minus strand). VCF-style: chr15-82677799-T-C. GRCh37 (hg19) VCF-style: chr15-83346551-T-C.
Other names: c.1154A>G, p.Tyr385Cys (NM_001278511.2); c.1250A>G, p.Tyr417Cys (NM_004644.5); short protein forms Y385C, Y417C.
Identifiers: ClinVar variation 1485577 (VCV001485577.6), dbSNP rs2048268044, ClinGen allele CA393317153.